The following is an entry in ClinVar:

ClinVar aggregate classification (germline): Benign/Likely benign. Review status: criteria provided, multiple submitters, no conflicts (2 of 4 stars). 3 submissions from 3 submitters: Benign (2); Likely benign (1). Last evaluated 2025-09-10.

Conditions:
GSTO1-related disorder. Also called: GSTO1-related condition.

Allele frequency attached by ClinVar (database versions not stated): gnomAD exomes 0.00236 and 0.00222; gnomAD 0.00237 and 0.00248; 1000 Genomes Project 0.00060; 1000 Genomes Project 30x 0.00078; ESP Exome Variant Server 0.00139; TOPMed 0.00152; ExAC 0.00218.
gnomAD v4.1: 3,779 of 1,610,756 alleles (0.23%); highest among the groups gnomAD compares: Non-Finnish European, 0.24%; 11 homozygotes.

Submissions (3):

PreventionGenetics, part of Exact Sciences
Classification: Likely benign for GSTO1-related condition. Last evaluated: 2025-09-10. Review status: criteria provided, single submitter. Criteria: ACMG Guidelines, 2015. Collection method: clinical testing. Allele origin: germline.
Comment: This variant is classified as likely benign based on ACMG/AMP sequence variant interpretation guidelines (Richards et al. 2015 PMID: 25741868, with internal and published modifications).

Labcorp Genetics (formerly Invitae), Labcorp
Classification: Benign. Last evaluated: 2018-04-10. Review status: criteria provided, single submitter. Criteria: Invitae Variant Classification Sherloc (09022015). Collection method: clinical testing. Allele origin: germline.

Breakthrough Genomics
Classification: Benign. Review status: criteria provided, single submitter. Criteria: ACMG Guidelines, 2015. Collection method: not provided. Allele origin: germline. Inheritance: Unknown mechanism. Affected: yes.

NM_004832.3(GSTO1):c.20G>A (p.Arg7Lys)

Genes: GSTO1 (glutathione S-transferase omega 1; plus strand), LOC130004657 (ATAC-STARR-seq lymphoblastoid active region 3979; plus strand). Cytogenetic location: 10q25.1.
Variant type: single nucleotide variant.
Coding change: c.20G>A on transcript NM_004832.3 (MANE Select); coding-DNA position 20, G replaced by A.
Protein change: p.Arg7Lys; replaces arginine 7 with lysine.
Molecular consequence: missense variant. On other transcripts: intron variant (1).
Genome position (GRCh38, 1-based): chr10:104,254,948, G>A. VCF-style: chr10-104254948-G-A. GRCh37 (hg19) VCF-style: chr10-106014706-G-A.
Other names: c.20G>A, p.Arg7Lys (NM_001191002.2); c.-50-215G>A (NM_001191003.2); short protein forms R7K.
Identifiers: ClinVar variation 787591 (VCV000787591.5), dbSNP rs72559704, ClinGen allele CA5681432.
Genomic context (GRCh38, chr10:104,254,948, plus strand): 5'-CCCTGCAAACCCCAGAGGAGCTCGGCCTGCGCTGCGCCACGATGTCCGGGGAGTCAGCCA[G>A]GAGCTTGGGGAAGGGTGAGGCCTGCCCGCCGCGAAGAGGGGGTGATCTCGGCGACCCCCG-3'
Protein context (NP_004823.1, residues 1-17): MSGESA[Arg7Lys]SLGKGSAPPG